The following is an entry in ClinVar:

ClinVar aggregate classification (germline): Uncertain significance. Review status: criteria provided, multiple submitters, no conflicts (2 of 4 stars). 4 submissions from 4 submitters: Uncertain significance (4). Last evaluated 2025-06-12.

Conditions:
Hereditary breast ovarian cancer syndrome. Also called: Breast and ovarian cancer; BRCA1- and BRCA2-Associated Hereditary Breast and Ovarian Cancer; Hereditary breast and ovarian cancer; Hereditary breast and/or ovarian cancer syndrome; Hereditary breast and ovarian cancer syndrome; Hereditary breast and ovarian cancer syndrome (HBOC). Identifiers: Orphanet 145, MedGen C0677776, MeSH D061325, MONDO:0003582. Disease mechanism: loss of function.
Hereditary cancer-predisposing syndrome. Also called: Neoplastic Syndromes, Hereditary; Tumor predisposition; Hereditary Cancer Syndrome; Hereditary neoplastic syndrome. Identifiers: Orphanet 140162, MedGen C0027672, MeSH D009386, MONDO:0015356.

Submissions (4):

Color Diagnostics, LLC DBA Color Health
Classification: Uncertain significance for Hereditary cancer-predisposing syndrome. Last evaluated: 2025-06-12. Review status: criteria provided, single submitter. Criteria: ACMG Guidelines, 2015. Collection method: clinical testing. Allele origin: germline.
Comment: This missense variant replaces lysine with glutamine at codon 82 of the BRCA2 protein. Computational prediction suggests that this variant may not impact protein structure and function. To our knowledge, functional studies have not been reported for this variant. This variant has not been reported in individuals affected with BRCA2-related disorders in the literature. This variant has not been identified in the general population by the Genome Aggregation Database (gnomAD). The available evidence is insufficient to determine the role of this variant in disease conclusively. Therefore, this variant is classified as a Variant of Uncertain Significance.

Genetic Services Laboratory, University of Chicago
Classification: Uncertain significance. Last evaluated: 2020-09-02. Review status: criteria provided, single submitter. Criteria: ACMG Guidelines, 2015. Collection method: clinical testing. Allele origin: germline. Affected: no.
Comment: DNA sequence analysis of the BRCA2 gene demonstrated a sequence change, c.244A>C, in exon 3 that results in an amino acid change, p.Lys82Gln. This sequence change does not appear to have been previously described in patients with BRCA2-related disorders and has also not been described in population databases (gnomAD, ExAC). The p.Lys82Gln change affects a moderately conserved amino acid residue located in a domain of the BRCA2 protein that is known to be functional. In-silico pathogenicity prediction tools (SIFT, PolyPhen2, Align GVGD, REVEL) provide contradictory results for the p.Lys82Gln substitution. Due to these contrasting evidences and the lack of functional studies, the clinical significance of the p.Lys82Gln change remains unknown at this time.

Ambry Genetics
Classification: Uncertain significance for Hereditary cancer-predisposing syndrome. Last evaluated: 2019-08-05. Review status: criteria provided, single submitter. Criteria: Ambry Variant Classification Scheme 2023. Collection method: clinical testing. Allele origin: germline.
Comment: The p.K82Q variant (also known as c.244A>C), located in coding exon 2 of the BRCA2 gene, results from an A to C substitution at nucleotide position 244. The lysine at codon 82 is replaced by glutamine, an amino acid with similar properties. This amino acid position is well conserved in available vertebrate species. In addition, this alteration is predicted to be tolerated by in silico analysis. Since supporting evidence is limited at this time, the clinical significance of this alteration remains unclear.

Labcorp Genetics (formerly Invitae), Labcorp
Classification: Uncertain significance for Hereditary breast ovarian cancer syndrome. Last evaluated: 2018-10-03. Review status: criteria provided, single submitter. Criteria: Invitae Variant Classification Sherloc (09022015). Collection method: clinical testing. Allele origin: germline.
Comment: In summary, the available evidence is currently insufficient to determine the role of this variant in disease. Therefore, it has been classified as a Variant of Uncertain Significance. Algorithms developed to predict the effect of missense changes on protein structure and function output the following: SIFT: "Tolerated"; PolyPhen-2: "Possibly Damaging"; Align-GVGD: "Class C0". The glutamine amino acid residue is found in multiple mammalian species, suggesting that this missense change does not adversely affect protein function. These predictions have not been confirmed by published functional studies and their clinical significance is uncertain. This variant has been reported in an individual in the Leiden Open-source Variation Database (PMID: 21520333). This variant is not present in population databases (ExAC no frequency). This sequence change replaces lysine with glutamine at codon 82 of the BRCA2 protein (p.Lys82Gln). The lysine residue is moderately conserved and there is a small physicochemical difference between lysine and glutamine.

Literature cited by the submitters: PubMed 21520333 (cited by Labcorp Genetics (formerly Invitae), Labcorp).

NM_000059.4(BRCA2):c.244A>C (p.Lys82Gln)

Gene: BRCA2 (BRCA2 DNA repair associated; plus strand). Cytogenetic location: 13q13.1.
Variant type: single nucleotide variant.
Coding change: c.244A>C on transcript NM_000059.4 (MANE Select); coding-DNA position 244, A replaced by C.
Protein change: p.Lys82Gln; replaces lysine 82 with glutamine.
Molecular consequence: missense variant.
Genome position (GRCh38, 1-based): chr13:32,319,253, A>C. VCF-style: chr13-32319253-A-C. GRCh37 (hg19) VCF-style: chr13-32893390-A-C.
Other names: short protein forms K82Q.
Identifiers: ClinVar variation 652753 (VCV000652753.16), dbSNP rs397507628, ClinGen allele CA247481345.